The following is an entry in ClinVar:

NM_001346754.2(PIGW):c.1307C>A (p.Pro436His)

Genes: MYO19 (myosin XIX; minus strand), PIGW (phosphatidylinositol glycan anchor biosynthesis class W; plus strand). Cytogenetic location: 17q12.
Variant type: single nucleotide variant.
Coding change: c.1307C>A on transcript NM_001346754.2 (MANE Select); coding-DNA position 1307, C replaced by A.
Protein change: p.Pro436His; replaces proline 436 with histidine.
Molecular consequence: missense variant.
Genome position (GRCh38, 1-based): chr17:36,538,408, C>A. VCF-style: chr17-36538408-C-A. GRCh37 (hg19) VCF-style: chr17-34894257-C-A.
Other names: c.1307C>A, p.Pro436His (NM_001346755.2, NM_178517.5); short protein forms P436H.
Identifiers: ClinVar variation 2102580 (VCV002102580.4), dbSNP rs2510228969, ClinGen allele CA399164695.

ClinVar aggregate classification (germline): Uncertain significance (1 of 4 stars; one submission).

Conditions:
Hyperphosphatasia with intellectual disability syndrome 5 (GPIBD11). Also called: GLYCOSYLPHOSPHATIDYLINOSITOL BIOSYNTHESIS DEFECT 11. Identifiers: Orphanet 247262, MedGen C4014958, MONDO:0014457, OMIM 616025.

Submission:

Labcorp Genetics (formerly Invitae), Labcorp
Classification: Uncertain significance for Hyperphosphatasia with intellectual disability syndrome 5. Last evaluated: 2022-08-22. Review status: criteria provided, single submitter. Criteria: Invitae Variant Classification Sherloc (09022015). Collection method: clinical testing. Allele origin: germline.
Comment: This sequence change replaces proline, which is neutral and non-polar, with histidine, which is basic and polar, at codon 436 of the PIGW protein (p.Pro436His). This variant is not present in population databases (gnomAD no frequency). This variant has not been reported in the literature in individuals affected with PIGW-related conditions. Algorithms developed to predict the effect of missense changes on protein structure and function (SIFT, PolyPhen-2, Align-GVGD) all suggest that this variant is likely to be tolerated. In summary, the available evidence is currently insufficient to determine the role of this variant in disease. Therefore, it has been classified as a Variant of Uncertain Significance.